The following is an entry in ClinVar:

ClinVar aggregate classification (germline): Pathogenic (0 of 4 stars; one submission).

Conditions:
Steinert myotonic dystrophy syndrome (DM1). Also called: STEINERT DISEASE; Myotonic dystrophy type 1; Dystrophia myotonica type 1; Steinert myotonic dystrophy; Steinert's disease. Identifiers: Orphanet 273, MedGen C3250443, MONDO:0008056, OMIM 160900.

Submission:

Institute of Molecular, Cell and Systems Biology, University of Glasgow
Classification: Pathogenic for Steinert myotonic dystrophy syndrome. Review status: no assertion criteria provided. Criteria: research. Collection method: research. Allele origin: germline. Inheritance: Autosomal dominant inheritance. Affected: yes. Observed: 1 heterozygote.
Comment: DMPK CTG repeat expansions greater than approximately 45-50 repeats are assumed to be pathogenic

This record is based on data published in PubMed 25052313, which reports only ClinVar accessions SCV000120188 and SCV000120189. The complete data set includes SCV000207445 - SCV000207579.

Literature cited by the submitters: PubMed 1346923; PubMed 1546326; PubMed 25052313.

NM_004409.5(DMPK):c.*224CTG[102]

Genes: DM1-AS (DM1 locus antisense RNA; plus strand), DMPK (DM1 protein kinase; minus strand), LOC109461477 (dystrophia myotonica protein kinase repeat instability region; plus strand), LOC107075317 (origin of replication in DMPK trinucleotide repeat region; plus strand). Cytogenetic location: 19q13.32.
Variant type: Microsatellite.
Coding change: c.*224CTG[102] on transcript NM_004409.5 (MANE Select); 102 copies in a row of the 3-base unit CTG starting at c.*224.
Molecular consequence: 3 prime UTR variant.
Genome position: GRCh38, VCF-style position (the base before the change): chr19:45,770,204. GRCh37 (hg19), VCF-style position (the base before the change): chr19:46,273,462.
Other names: DM1 CTG repeat expansion; c.*224CTG[102] (NM_001081560.3, NM_001288764.2, NM_001424165.1 and 1 more transcripts); c.*217CTG[102] (NM_001081562.3, NM_001288765.2, NM_001424162.1 and 2 more transcripts); c.*222_*224TGC[102] (NM_001081563.3); c.*369CTG[102] (NM_001288766.2, NM_001424164.1, NM_001424168.1).
Identifiers: ClinVar variation 187907 (VCV000187907.2), ClinGen allele CA915951701.